The following is an entry in ClinVar:

ClinVar aggregate classification (germline): Likely benign (1 of 4 stars; one submission).

gnomAD v4.1: 1,278 of 1,610,970 alleles (0.079%); highest among the groups gnomAD compares: African/African-American, 1.2%; 6 homozygotes.

Submission:

CeGaT Center for Human Genetics Tuebingen
Classification: Likely benign. Last evaluated: 2026-04-01. Review status: criteria provided, single submitter. Criteria: CeGaT Center For Human Genetics Tuebingen Variant Classification Criteria Version 2. Collection method: clinical testing. Allele origin: germline. Affected: yes. Observed: 2 variant alleles.
Comment: CAPN15: BP4, BP7, BS1

NM_005632.3(CAPN15):c.2214G>A (p.Pro738=)

Gene: CAPN15 (calpain 15; plus strand). Cytogenetic location: 16p13.3.
Variant type: single nucleotide variant.
Coding change: c.2214G>A on transcript NM_005632.3 (MANE Select); coding-DNA position 2214, G replaced by A.
Protein change: p.Pro738=; no amino-acid change (proline 738 retained).
Molecular consequence: synonymous variant.
Genome position (GRCh38, 1-based): chr16:551,533, G>A. VCF-style: chr16-551533-G-A. GRCh37 (hg19) VCF-style: chr16-601533-G-A.
Identifiers: ClinVar variation 4821145 (VCV004821145.4).